The following is an entry in ClinVar:

ClinVar aggregate classification (germline): Uncertain significance (1 of 4 stars; one submission).

Conditions:
Hereditary cancer-predisposing syndrome. Also called: Tumor predisposition; Hereditary Cancer Syndrome; Hereditary neoplastic syndrome; Neoplastic Syndromes, Hereditary. Identifiers: Orphanet 140162, MedGen C0027672, MeSH D009386, MONDO:0015356.

Submission:

Ambry Genetics
Classification: Uncertain significance for Hereditary cancer-predisposing syndrome. Last evaluated: 2025-09-29. Review status: criteria provided, single submitter. Criteria: Ambry Variant Classification Scheme 2023. Collection method: clinical testing. Allele origin: germline.
Comment: The p.G691D variant (also known as c.2072G>A), located in coding exon 11 of the RET gene, results from a G to A substitution at nucleotide position 2072. The glycine at codon 691 is replaced by aspartic acid, an amino acid with similar properties. This amino acid position is conserved. In addition, this alteration is predicted to be tolerated by in silico analysis. Based on the available evidence, the clinical significance of this variant remains unclear.

NM_020975.6(RET):c.2072G>A (p.Gly691Asp)

Gene: RET (ret proto-oncogene; plus strand). Cytogenetic location: 10q11.21.
Variant type: single nucleotide variant.
Coding change: c.2072G>A on transcript NM_020975.6 (MANE Select); coding-DNA position 2072, G replaced by A.
Protein change: p.Gly691Asp; replaces glycine 691 with aspartic acid.
Molecular consequence: missense variant.
Genome position (GRCh38, 1-based): chr10:43,114,672, G>A. VCF-style: chr10-43114672-G-A. GRCh37 (hg19) VCF-style: chr10-43610120-G-A.
Other names: c.1310G>A, p.Gly437Asp (NM_001355216.2); c.2072G>A, p.Gly691Asp (NM_001406743.1, NM_001406744.1, NM_001406759.1 and 2 more transcripts); c.1943G>A, p.Gly648Asp (NM_001406761.1, NM_001406762.1, NM_001406764.1); c.1937G>A, p.Gly646Asp (NM_001406763.1, NM_001406765.1); c.1784G>A, p.Gly595Asp (NM_001406766.1, NM_001406767.1, NM_001406770.1); c.1808G>A, p.Gly603Asp (NM_001406768.1); c.1676G>A, p.Gly559Asp (NM_001406769.1, NM_001406772.1); c.1634G>A, p.Gly545Asp (NM_001406771.1, NM_001406773.1); and 10 more; short protein forms G361D, G392D, G545D, G559D, G208D, G352D, G437D, G449D.
Identifiers: ClinVar variation 4545429 (VCV004545429.1).